The following is an entry in ClinVar:

ClinVar aggregate classification (germline): Uncertain significance (1 of 4 stars; one submission).

Conditions:
Spinocerebellar ataxia type 19/22 (SCA19). Also called: SPINOCEREBELLAR ATAXIA 19; SPINOCEREBELLAR ATAXIA 22. Identifiers: Orphanet 98772, MedGen C1846367, MONDO:0011819, OMIM 607346.

Submission:

Labcorp Genetics (formerly Invitae), Labcorp
Classification: Uncertain significance for Spinocerebellar ataxia type 19/22. Last evaluated: 2024-09-21. Review status: criteria provided, single submitter. Criteria: Invitae Variant Classification Sherloc (09022015). Collection method: clinical testing. Allele origin: germline.
Comment: This sequence change replaces threonine, which is neutral and polar, with alanine, which is neutral and non-polar, at codon 619 of the KCND3 protein (p.Thr619Ala). This variant is not present in population databases (gnomAD no frequency). This variant has not been reported in the literature in individuals affected with KCND3-related conditions. An algorithm developed to predict the effect of missense changes on protein structure and function (PolyPhen-2) suggests that this variant is likely to be tolerated. In summary, the available evidence is currently insufficient to determine the role of this variant in disease. Therefore, it has been classified as a Variant of Uncertain Significance.

NM_001378969.1(KCND3):c.1855A>G (p.Thr619Ala)

Gene: KCND3 (potassium voltage-gated channel subfamily D member 3; minus strand). Cytogenetic location: 1p13.2.
Variant type: single nucleotide variant.
Coding change: c.1855A>G on transcript NM_001378969.1 (MANE Select); coding-DNA position 1855, A replaced by G.
Protein change: p.Thr619Ala; replaces threonine 619 with alanine.
Molecular consequence: missense variant.
Genome position (GRCh38, 1-based): chr1:111,776,190, T>C on the plus strand (A>G on the coding strand, the complement: KCND3 is on the minus strand). VCF-style: chr1-111776190-T-C. GRCh37 (hg19) VCF-style: chr1-112318812-T-C.
Other names: c.1798A>G, p.Thr600Ala (NM_001378970.1, NM_172198.3); c.1855A>G, p.Thr619Ala (NM_004980.5); short protein forms T619A, T600A.
Identifiers: ClinVar variation 3632364 (VCV003632364.2).
Genomic context (GRCh38, chr1:111,776,190, plus strand): 5'-TGGGGCCTGGGCTGGCAGGGGGTGGCCGACTTTCCCCCTCTGGGGTTAGCGCTGGGGGAG[T>C]GGGGATGCTGATGATGGCTGTGGTGATCTGGGATGTTTTGCAGTTTGGTCTCAGTCCGTC-3'
Protein context (NP_001365898.1, residues 609-629): QITTAIISIP[Thr619Ala]PPALTPEGES